The following is an entry in ClinVar:

NM_001048174.2(MUTYH):c.130C>A (p.Pro44Thr)

Gene: MUTYH (mutY DNA glycosylase; minus strand). Cytogenetic location: 1p34.1.
Variant type: single nucleotide variant.
Coding change: c.130C>A on transcript NM_001048174.2 (MANE Select); coding-DNA position 130, C replaced by A.
Protein change: p.Pro44Thr; replaces proline 44 with threonine.
Molecular consequence: missense variant. On other transcripts: 5 prime UTR variant (1), non-coding transcript variant (5), intron variant (5).
Genome position (GRCh38, 1-based): chr1:45,333,547, G>T on the plus strand (C>A on the coding strand, the complement: MUTYH is on the minus strand). VCF-style: chr1-45333547-G-T. GRCh37 (hg19) VCF-style: chr1-45799219-G-T.
Other names: c.130C>A, p.Pro44Thr (NM_001048171.2, NM_001048173.2, NM_001293195.2 and 6 more transcripts); c.133C>A, p.Pro45Thr (NM_001048172.2, NM_001407071.1, NM_001407078.1 and 2 more transcripts); c.214C>A, p.Pro72Thr (NM_001128425.2); c.175C>A, p.Pro59Thr (NM_001293190.2); c.163C>A, p.Pro55Thr (NM_001293191.2, NM_001407077.1); c.-142C>A (NM_001350650.2); c.205C>A, p.Pro69Thr (NM_001407069.1, NM_012222.3); c.172C>A, p.Pro58Thr (NM_001407073.1, NM_001407083.1, NM_001407085.1); and 4 more; short protein forms P44T, P58T, P72T, P51T, P59T, P69T, P16T, P45T.
Identifiers: ClinVar variation 4113509 (VCV004113509.1).

ClinVar aggregate classification (germline): Uncertain significance (1 of 4 stars; one submission).

Conditions:
Hereditary cancer-predisposing syndrome. Also called: Hereditary neoplastic syndrome; Neoplastic Syndromes, Hereditary; Tumor predisposition; Hereditary Cancer Syndrome. Identifiers: Orphanet 140162, MedGen C0027672, MeSH D009386, MONDO:0015356.

Submission:

Ambry Genetics
Classification: Uncertain significance for Hereditary cancer-predisposing syndrome. Last evaluated: 2025-08-27. Review status: criteria provided, single submitter. Criteria: Ambry Variant Classification Scheme 2023. Collection method: clinical testing. Allele origin: germline.
Comment: The p.P72T variant (also known as c.214C>A), located in coding exon 3 of the MUTYH gene, results from a C to A substitution at nucleotide position 214. The proline at codon 72 is replaced by threonine, an amino acid with highly similar properties. This amino acid position is conserved. In addition, this alteration is predicted to be tolerated by in silico analysis. Based on the available evidence, the clinical significance of this variant remains unclear.